The following is an entry in ClinVar:

NM_001080517.3(SETD5):c.567+6C>T

Gene: SETD5 (SET domain containing 5; plus strand). Cytogenetic location: 3p25.3.
Variant type: single nucleotide variant.
Coding change: c.567+6C>T on transcript NM_001080517.3 (MANE Select); 6 bases into the intron after coding-DNA position 567, C replaced by T.
Molecular consequence: intron variant.
Genome position (GRCh38, 1-based): chr3:9,435,912, C>T. VCF-style: chr3-9435912-C-T. GRCh37 (hg19) VCF-style: chr3-9477596-C-T.
Other names: c.234+6C>T (NM_001349451.2, NM_001292043.2).
Identifiers: ClinVar variation 512759 (VCV000512759.1), dbSNP rs1303311742, ClinGen allele CA541211819.
Genomic context (GRCh38, chr3:9,435,912, plus strand): 5'-GCGGAAAAAGAGTCCAGAAAAGGGTCGTGCAGCACCAAAGACGAAGAAAATCAAGGTATG[C>T]AGGGTAAAAATATCTTAAATAGAAATTGTCTGAAATAGCTTAAATTTTGGAGCAAGAATG-3'

ClinVar aggregate classification (germline): Likely benign (1 of 4 stars; one submission).

Allele frequency attached by ClinVar (database versions not stated): gnomAD exomes 0.00002.
gnomAD v4.1: 21 of 1,564,718 alleles (0.0013%); highest among the groups gnomAD compares: Non-Finnish European, 0.0018%; no homozygotes.

Submission:

GeneDx
Classification: Likely benign. Last evaluated: 2017-10-26. Review status: criteria provided, single submitter. Criteria: GeneDx Variant Classification (06012015). Collection method: clinical testing. Allele origin: germline. Affected: yes.
Comment: This variant is considered likely benign or benign based on one or more of the following criteria: it is a conservative change, it occurs at a poorly conserved position in the protein, it is predicted to be benign by multiple in silico algorithms, and/or has population frequency not consistent with disease.